The following is an entry in ClinVar:

ClinVar aggregate classification (germline): Pathogenic/Likely pathogenic. Review status: criteria provided, multiple submitters, no conflicts (2 of 4 stars). 2 submissions from 2 submitters: Pathogenic (1); Likely pathogenic (1). Last evaluated 2020-10-23.

Conditions:
Glycogen storage disease IXd (GSD9D). Also called: GSD IXd; Muscle Phosphorylase Kinase Deficiency. Identifiers: Orphanet 715, MedGen C1845151, MONDO:0010362, OMIM 300559.

Allele frequency attached by ClinVar (database versions not stated): gnomAD exomes below 0.00001 and 0.00002; TOPMed below 0.00001; ExAC 0.00002.
gnomAD v4.1: 4 of 1,210,185 alleles (0.00033%); highest among the groups gnomAD compares: East Asian, 0.012%; no homozygotes.

Submissions (3):

Institute of Medical Genetics and Applied Genomics, University Hospital Tübingen
Classification: Pathogenic. Last evaluated: 2020-10-23. Review status: criteria provided, single submitter. Criteria: ACMG Guidelines, 2015. Collection method: clinical testing. Allele origin: germline. Inheritance: X-linked recessive inheritance. Affected: yes.

Juno Genomics, Hangzhou Juno Genomics, Inc
Classification: Likely pathogenic for Glycogen storage disease IXd. Review status: criteria provided, single submitter. Criteria: ACMG Guidelines, 2015. Collection method: clinical testing. Allele origin: germline.
Comment: Absent from controls (or at extremely low frequency if recessive) in Genome Aggregation Database.;Null variant in a gene where loss of function (LOF) is a known mechanism of disease.

Dr. Peter K. Rogan Lab, Western University
No classification provided (evidence only). Condition: Thyroid cancer, nonmedullary, 1. Review status: no classification provided. Collection method: in vitro. Allele origin: not applicable. Functional consequence: retained intron. Not counted in ClinVar's aggregate classification.

NM_002637.4(PHKA1):c.1039C>T (p.Gln347Ter)

Gene: PHKA1 (phosphorylase kinase regulatory subunit alpha 1; minus strand). Cytogenetic location: Xq13.1.
Variant type: single nucleotide variant.
Coding change: c.1039C>T on transcript NM_002637.4 (MANE Select); coding-DNA position 1039, C replaced by T.
Protein change: p.Gln347Ter; replaces glutamine 347 with a stop codon.
Molecular consequence: nonsense.
Genome position (GRCh38, 1-based): chrX:72,656,122, G>A on the plus strand (C>T on the coding strand, the complement: PHKA1 is on the minus strand). VCF-style: chrX-72656122-G-A. GRCh37 (hg19) VCF-style: chrX-71875972-G-A.
Other names: NC_000023.10:g.71875972G>A; c.1039C>T, p.Gln347Ter (NM_001122670.2, NM_001172436.2); short protein forms Q347*.
Identifiers: ClinVar variation 987457 (VCV000987457.5), dbSNP rs782062618, ClinGen allele CA10450952.